The following continues an entry in ClinVar:

NM_000051.4(ATM):c.6860G>C (p.Gly2287Ala)

ClinVar aggregate classification (germline): Conflicting classifications of pathogenicity. Uncertain significance (4); Benign (2); Likely benign (14).

Submissions 18 to 23 of 23:

Ambry Genetics
Classification: Likely benign for Hereditary cancer-predisposing syndrome. Last evaluated: 2018-10-16. Review status: criteria provided, single submitter. Criteria: Ambry Variant Classification Scheme 2023. Collection method: clinical testing. Allele origin: germline.

University of Washington Department of Laboratory Medicine, University of Washington
Classification: Likely benign for Hereditary Breast Carcinoma. Last evaluated: 2018-05-17. Review status: criteria provided, single submitter. Criteria: Tsai GJ et al. (Genet Med 2018). Collection method: research. Allele origin: germline. Inheritance: Autosomal dominant inheritance. Affected: no.
Comment: The ATM variant designated as NM_000051.3: c.6860G>C (p.Gly2287Ala) is classified as likely benign. This variant has been reported in several population databases. It is present in approximately 1 in 2000 individuals with European ancestry. This variant has been classified as likely benign by other laboratories (ClinVar Variation ID: 127428). Computer software programs predict that this variant will be tolerated (Polyphen-2, SIFT). An in vitro study has shown that this variant does not affect protein function (Scott et al, 2002, PMID:11805335). Together, this information is consistent with a likely benign variant in ATM. Bayesian analysis integrating data (Tavtigian et al, 2018, PMID:29300386) gives less than 1% probability of pathogenicity, which is consistent with a classification of likely benign. This variant is not predicted to alter ATM function or modify cancer risk. A modest (less than 2 fold) increase in cancer risk due to this variant cannot be excluded. This analysis was performed in conjunction with the family studies project as part of the University of Washington Find My Variant Study.

Color Diagnostics, LLC DBA Color Health
Classification: Likely benign for Hereditary cancer-predisposing syndrome. Last evaluated: 2015-03-31. Review status: criteria provided, single submitter. Criteria: ACMG Guidelines, 2015. Collection method: clinical testing. Allele origin: germline.

PreventionGenetics, part of Exact Sciences
Classification: Likely benign for ATM-related condition. Last evaluated: 2023-09-06. Review status: no assertion criteria provided. Collection method: clinical testing. Allele origin: germline. Not counted in ClinVar's aggregate classification.
Comment: This variant is classified as likely benign based on ACMG/AMP sequence variant interpretation guidelines (Richards et al. 2015 PMID: 25741868, with internal and published modifications).

Natera, Inc.
Classification: Uncertain significance for Ataxia-telangiectasia. Last evaluated: 2020-01-02. Review status: no assertion criteria provided. Collection method: clinical testing. Allele origin: germline. Not counted in ClinVar's aggregate classification.

Counsyl
Classification: Uncertain significance for Ataxia-telangiectasia syndrome. Last evaluated: 2018-01-22. Review status: no assertion criteria provided. Collection method: clinical testing. Allele origin: unknown. Not counted in ClinVar's aggregate classification.

Literature cited by the submitters: PubMed 11805335 (cited by 7 submitters); PubMed 25085752 (cited by Myriad Genetics, Inc.); PubMed 11606401 (cited by 5 submitters); PubMed 19781682 (cited by 5 submitters); PubMed 26898890 (cited by 4 submitters); PubMed 30374176 (cited by 3 submitters); PubMed 33280026 (cited by Department of Pathology and Laboratory Medicine, Sinai Health System and Sema4); PubMed 33471991 (cited by Department of Pathology and Laboratory Medicine, Sinai Health System and Women's Health and Genetics/Laboratory Corporation of America, LabCorp); PubMed 23585524 (cited by Women's Health and Genetics/Laboratory Corporation of America, LabCorp and Quest Diagnostics Nichols Institute San Juan Capistrano); PubMed 26976419 (cited by Women's Health and Genetics/Laboratory Corporation of America, LabCorp and Quest Diagnostics Nichols Institute San Juan Capistrano); PubMed 8665503 (cited by 3 submitters); PubMed 28135145 (cited by Women's Health and Genetics/Laboratory Corporation of America, LabCorp); PubMed 31920950 (cited by Women's Health and Genetics/Laboratory Corporation of America, LabCorp); PubMed 35047863 (cited by Women's Health and Genetics/Laboratory Corporation of America, LabCorp); PubMed 22529920 (cited by 3 submitters); PubMed 16652348 (cited by Quest Diagnostics Nichols Institute San Juan Capistrano and Ambry Genetics); PubMed 25980754 (cited by Quest Diagnostics Nichols Institute San Juan Capistrano); PubMed 21787400 (cited by Quest Diagnostics Nichols Institute San Juan Capistrano); PubMed 26206375 (cited by Counsyl).